The following is an entry in ClinVar:

NM_001365276.2(TNXB):c.909C>G (p.Gly303=)

Gene: TNXB (tenascin XB; minus strand). Cytogenetic location: 6p21.33.
Variant type: single nucleotide variant.
Coding change: c.909C>G on transcript NM_001365276.2 (MANE Select); coding-DNA position 909, C replaced by G.
Protein change: p.Gly303=; no amino-acid change (glycine 303 retained).
Molecular consequence: synonymous variant.
Genome position (GRCh38, 1-based): chr6:32,096,944, G>C on the plus strand (C>G on the coding strand, the complement: TNXB is on the minus strand). VCF-style: chr6-32096944-G-C. GRCh37 (hg19) VCF-style: chr6-32064721-G-C.
Other names: p.Gly303=; c.909C>G, p.Gly303= (NM_019105.8).
Identifiers: ClinVar variation 261175 (VCV000261175.17), dbSNP rs111244635, ClinGen allele CA3735765.
Genomic context (GRCh38, chr6:32,096,944, plus strand): 5'-GTCCTTGCAGCGTCCCCGCTGGCTGCAGCCCCGAGGGCAGCTCCTCACCCCACAGTCCTC[G>C]CCAGTGTAGCCGGGGTTACACACGCAGCGCCCATTCTCACAGCGCCCCCTCTGACTGCAA-3'
Protein context (NP_001352205.1, residues 293-313): GRCVCNPGYT[Gly303=]EDCGVRSCPR

ClinVar aggregate classification (germline): Benign/Likely benign. Review status: criteria provided, multiple submitters, no conflicts (2 of 4 stars). 9 submissions from 9 submitters: Benign (6); Likely benign (3). Last evaluated 2026-03-31.

Conditions:
Ehlers-Danlos syndrome due to tenascin-X deficiency (EDSCLL1). Also called: EDS DUE TO TNX DEFICIENCY; TNXB-Related Classical-Like Ehlers-Danlos Syndrome; EHLERS-DANLOS SYNDROME, CLASSIC-LIKE; Ehlers-Danlos syndrome, classic-like, 1; TNX DEFICIENCY. Identifiers: Orphanet 230839, MedGen C1848029, MONDO:0011670, OMIM 606408.
Vesicoureteral reflux 8 (VUR8). Identifiers: Orphanet 289365, MedGen C4014831, MONDO:0014422, OMIM 615963.
Cardiovascular phenotype. Identifiers: MedGen CN230736.
Ehlers-Danlos syndrome (EDS). Identifiers: Orphanet 98249, MedGen C0013720, MONDO:0020066.

Allele frequency attached by ClinVar (database versions not stated): gnomAD exomes 0.00214; ExAC 0.00287; 1000 Genomes Project 0.00579; ESP Exome Variant Server 0.00599; TOPMed 0.00645; 1000 Genomes Project 30x 0.00703.
gnomAD v4.1: 3,991 of 1,593,688 alleles (0.25%); highest among the groups gnomAD compares: African/African-American, 1.5%; 18 homozygotes.

Submissions (9):

Women's Health and Genetics/Laboratory Corporation of America, LabCorp
Classification: Benign. Last evaluated: 2026-03-31. Review status: criteria provided, single submitter. Criteria: LabCorp Variant Classification Summary - May 2015. Collection method: clinical testing. Allele origin: germline.

Labcorp Genetics (formerly Invitae), Labcorp
Classification: Benign. Last evaluated: 2026-01-29. Review status: criteria provided, single submitter. Criteria: Invitae Variant Classification Sherloc (09022015). Collection method: clinical testing. Allele origin: germline.

Blueprint Genetics
Classification: Likely benign. Last evaluated: 2024-11-22. Review status: criteria provided, single submitter. Criteria: ACMG Guidelines, 2015. Collection method: clinical testing. Allele origin: germline.

Mayo Clinic Laboratories, Mayo Clinic
Classification: Benign. Last evaluated: 2023-04-18. Review status: criteria provided, single submitter. Criteria: ACMG Guidelines, 2015. Collection method: clinical testing. Allele origin: germline. Observed: 14 variant alleles.
Comment: BS1, BS2, BP4, BP7

GeneDx
Classification: Likely benign. Last evaluated: 2021-10-06. Review status: criteria provided, single submitter. Criteria: GeneDx Variant Classification Process June 2021. Collection method: clinical testing. Allele origin: germline. Affected: yes.

Fulgent Genetics
Classification: Benign for Ehlers-Danlos syndrome due to tenascin-X deficiency; Vesicoureteral reflux 8. Last evaluated: 2021-07-07. Review status: criteria provided, single submitter. Criteria: ACMG Guidelines, 2015. Collection method: clinical testing. Allele origin: unknown.

Genome Diagnostics Laboratory, The Hospital for Sick Children
Classification: Likely benign for Ehlers-Danlos syndrome. Last evaluated: 2021-01-25. Review status: criteria provided, single submitter. Criteria: ACMG Guidelines, 2015. Collection method: clinical testing. Allele origin: germline.

Ambry Genetics
Classification: Benign for Cardiovascular phenotype. Last evaluated: 2019-07-05. Review status: criteria provided, single submitter. Criteria: Ambry Variant Classification Scheme 2023. Collection method: clinical testing. Allele origin: germline.

PreventionGenetics, part of Exact Sciences
Classification: Benign. Review status: criteria provided, single submitter. Criteria: ACMG Guidelines, 2015. Collection method: clinical testing. Allele origin: germline.